The following is an entry in ClinVar:

NM_001093.4(ACACB):c.4239+7G>A

Gene: ACACB (acetyl-CoA carboxylase beta; plus strand). Cytogenetic location: 12q24.11.
Variant type: single nucleotide variant.
Coding change: c.4239+7G>A on transcript NM_001093.4 (MANE Select); 7 bases into the intron after coding-DNA position 4239, G replaced by A.
Molecular consequence: intron variant.
Genome position (GRCh38, 1-based): chr12:109,233,854, G>A. VCF-style: chr12-109233854-G-A. GRCh37 (hg19) VCF-style: chr12-109671659-G-A.
Other names: c.4239+7G>A (NM_001412734.1, NM_001412735.1); c.3612+7G>A (NM_001412737.1); c.3633+7G>A (NM_001412736.1, NM_001412739.1); c.3444+7G>A (NM_001412738.1).
Identifiers: ClinVar variation 3055030 (VCV003055030.2), dbSNP rs372790776, ClinGen allele CA6774300.
Genomic context (GRCh38, chr12:109,233,854, plus strand): 5'-ACCCCCCTCTTCAGCGAGGCCCGCACCTCCCTATACTCCGAGGATGACTGCAAGGTAAGC[G>A]TCTAAGCCCAGGGAGCAACCTGGGGAGCAGGTGGGCCGTGGCCCCCAGGCTTTCCAGCCC-3'

ClinVar aggregate classification (germline): Likely benign (0 of 4 stars; one submission).

Conditions:
ACACB-related disorder. Also called: ACACB-related condition.

Allele frequency attached by ClinVar (database versions not stated): ESP Exome Variant Server 0.00008; gnomAD 0.00009; TOPMed 0.00009; gnomAD exomes 0.00011; ExAC 0.00016.
gnomAD v4.1: 177 of 1,614,034 alleles (0.011%); highest among the groups gnomAD compares: Middle Eastern, 0.016%; no homozygotes.

Submission:

PreventionGenetics, part of Exact Sciences
Classification: Likely benign for ACACB-related condition. Last evaluated: 2021-09-24. Review status: no assertion criteria provided. Collection method: clinical testing. Allele origin: germline.
Comment: This variant is classified as likely benign based on ACMG/AMP sequence variant interpretation guidelines (Richards et al. 2015 PMID: 25741868, with internal and published modifications).